The following is an entry in ClinVar:

NM_001330260.2(SCN8A):c.2102T>C (p.Met701Thr)

Gene: SCN8A (sodium voltage-gated channel alpha subunit 8; plus strand). Cytogenetic location: 12q13.13.
Variant type: single nucleotide variant.
Coding change: c.2102T>C on transcript NM_001330260.2 (MANE Select); coding-DNA position 2102, T replaced by C.
Protein change: p.Met701Thr; replaces methionine 701 with threonine.
Molecular consequence: missense variant.
Genome position (GRCh38, 1-based): chr12:51,746,006, T>C. VCF-style: chr12-51746006-T-C. GRCh37 (hg19) VCF-style: chr12-52139790-T-C.
Other names: c.2102T>C, p.Met701Thr (NM_001177984.3, NM_001369788.1, NM_014191.4); short protein forms M701T.
Identifiers: ClinVar variation 3674592 (VCV003674592.1).

ClinVar aggregate classification (germline): Uncertain significance (1 of 4 stars; one submission).

Conditions:
Developmental and epileptic encephalopathy. Identifiers: MedGen C5779964, MONDO:0100620.

Submission:

Labcorp Genetics (formerly Invitae), Labcorp
Classification: Uncertain significance for Early-infantile DEE. Last evaluated: 2024-12-02. Review status: criteria provided, single submitter. Criteria: Invitae Variant Classification Sherloc (09022015). Collection method: clinical testing. Allele origin: germline.
Comment: This sequence change replaces methionine, which is neutral and non-polar, with threonine, which is neutral and polar, at codon 701 of the SCN8A protein (p.Met701Thr). This variant is not present in population databases (gnomAD no frequency). This variant has not been reported in the literature in individuals affected with SCN8A-related conditions. Invitae Evidence Modeling of protein sequence and biophysical properties (such as structural, functional, and spatial information, amino acid conservation, physicochemical variation, residue mobility, and thermodynamic stability) indicates that this missense variant is not expected to disrupt SCN8A protein function with a negative predictive value of 95%. In summary, the available evidence is currently insufficient to determine the role of this variant in disease. Therefore, it has been classified as a Variant of Uncertain Significance.